The following is an entry in ClinVar:

ClinVar aggregate classification (germline): Pathogenic (1 of 4 stars; one submission).

Conditions:
Duchenne muscular dystrophy (DMD). Also called: Duchenne Muscular Dystrophy (DMD); MUSCULAR DYSTROPHY, PSEUDOHYPERTROPHIC PROGRESSIVE, DUCHENNE TYPE. Identifiers: Orphanet 98896, MedGen C0013264, MONDO:0010679, OMIM 310200.

Submission:

Labcorp Genetics (formerly Invitae), Labcorp
Classification: Pathogenic for Duchenne muscular dystrophy. Last evaluated: 2024-07-16. Review status: criteria provided, single submitter. Criteria: Invitae Variant Classification Sherloc (09022015). Collection method: clinical testing. Allele origin: germline.
Comment: This sequence change creates a premature translational stop signal (p.Ser443Lysfs*5) in the DMD gene. It is expected to result in an absent or disrupted protein product. Loss-of-function variants in DMD are known to be pathogenic (PMID: 16770791, 25007885). This variant is not present in population databases (gnomAD no frequency). This premature translational stop signal has been observed in individual(s) with DMD-related conditions (PMID: 31412794). This variant is also known as c.1327_1328insA. For these reasons, this variant has been classified as Pathogenic.

Literature cited by the submitters: PubMed 16770791; PubMed 25007885; PubMed 31412794.

NM_004006.3(DMD):c.1327dup (p.Ser443fs)

Gene: DMD (dystrophin; minus strand). Cytogenetic location: Xp21.1.
Variant type: Duplication.
Coding change: c.1327dup on transcript NM_004006.3 (MANE Select); coding-DNA position 1327, one base duplicated (A; older notation c.1327dupA).
Protein change: p.Ser443fs; shifts the reading frame from serine 443.
Molecular consequence: frameshift variant.
Genome position (GRCh38, 1-based): chrX:32,644,136, T duplicated on the plus strand (A on the coding strand, the reverse complement: DMD is on the minus strand); the first of 3 consecutive T bases (chrX:32,644,136-32,644,138); duplicating any one gives the same sequence. VCF-style (leftmost placement, unchanged base first): chrX-32644135-C-CT. GRCh37 (hg19) VCF-style: chrX-32662252-C-CT.
Other names: c.1303dup, p.Ser435fs (NM_000109.4); c.1315dup, p.Ser439fs (NM_004009.3); c.958dup, p.Ser320fs (NM_004010.3); short protein forms S320fs, S439fs, S435fs, S443fs.
Identifiers: ClinVar variation 3718689 (VCV003718689.2).